The following is an entry in ClinVar:

NM_005477.3(HCN4):c.82G>C (p.Glu28Gln)

Gene: HCN4 (hyperpolarization activated cyclic nucleotide gated potassium channel 4; minus strand). Cytogenetic location: 15q24.1.
Variant type: single nucleotide variant.
Coding change: c.82G>C on transcript NM_005477.3 (MANE Select); coding-DNA position 82, G replaced by C.
Protein change: p.Glu28Gln; replaces glutamic acid 28 with glutamine.
Molecular consequence: missense variant.
Genome position (GRCh38, 1-based): chr15:73,368,189, C>G on the plus strand (G>C on the coding strand, the complement: HCN4 is on the minus strand). VCF-style: chr15-73368189-C-G. GRCh37 (hg19) VCF-style: chr15-73660530-C-G.
Other names: c.82G>C (NM_005477.2); short protein forms E28Q.
Identifiers: ClinVar variation 3704725 (VCV003704725.3).

ClinVar aggregate classification (germline): Uncertain significance. Review status: criteria provided, multiple submitters, no conflicts (2 of 4 stars). 2 submissions from 2 submitters: Uncertain significance (2). Last evaluated 2026-04-27.

Conditions:
Cardiovascular phenotype. Identifiers: MedGen CN230736.
Brugada syndrome 8 (BRGDA8). Identifiers: Orphanet 130, MedGen C2751083, MONDO:0013148, OMIM 613123.

Submissions (2):

Ambry Genetics
Classification: Uncertain significance for Cardiovascular phenotype. Last evaluated: 2026-04-27. Review status: criteria provided, single submitter. Criteria: Ambry Variant Classification Scheme 2023. Collection method: clinical testing. Allele origin: germline.
Comment: The p.E28Q variant (also known as c.82G>C), located in coding exon 1 of the HCN4 gene, results from a G to C substitution at nucleotide position 82. The glutamic acid at codon 28 is replaced by glutamine, an amino acid with highly similar properties. This amino acid position is conserved. In addition, the in silico prediction for this alteration is inconclusive. Based on the available evidence, the clinical significance of this variant remains unclear.

Labcorp Genetics (formerly Invitae), Labcorp
Classification: Uncertain significance for Brugada syndrome 8. Last evaluated: 2024-02-10. Review status: criteria provided, single submitter. Criteria: Invitae Variant Classification Sherloc (09022015). Collection method: clinical testing. Allele origin: germline.
Comment: This sequence change replaces glutamic acid, which is acidic and polar, with glutamine, which is neutral and polar, at codon 28 of the HCN4 protein (p.Glu28Gln). This variant is not present in population databases (gnomAD no frequency). This variant has not been reported in the literature in individuals affected with HCN4-related conditions. Advanced modeling of protein sequence and biophysical properties (such as structural, functional, and spatial information, amino acid conservation, physicochemical variation, residue mobility, and thermodynamic stability) performed at Invitae indicates that this missense variant is not expected to disrupt HCN4 protein function with a negative predictive value of 95%. In summary, the available evidence is currently insufficient to determine the role of this variant in disease. Therefore, it has been classified as a Variant of Uncertain Significance.